The following is an entry in ClinVar:

ClinVar aggregate classification (germline): Uncertain significance (1 of 4 stars; one submission).

Conditions:
Hajdu-Cheney syndrome (HJCYS). Also called: Acroosteolysis dominant type; ACROOSTEOLYSIS WITH OSTEOPOROSIS AND CHANGES IN SKULL AND MANDIBLE; SERPENTINE FIBULA-POLYCYSTIC KIDNEY SYNDROME. Identifiers: Orphanet 955, MedGen C0917715, MONDO:0007057, OMIM 102500.

Allele frequency attached by ClinVar (database versions not stated): gnomAD exomes below 0.00001; TOPMed below 0.00001; gnomAD 0.00001.
gnomAD v4.1: 2 of 1,613,638 alleles (0.00012%); highest among the groups gnomAD compares: Admixed American, 0.0017%; no homozygotes.

Submission:

Labcorp Genetics (formerly Invitae), Labcorp
Classification: Uncertain significance for Hajdu-Cheney syndrome. Last evaluated: 2024-04-27. Review status: criteria provided, single submitter. Criteria: Invitae Variant Classification Sherloc (09022015). Collection method: clinical testing. Allele origin: germline.
Comment: This sequence change replaces isoleucine, which is neutral and non-polar, with methionine, which is neutral and non-polar, at codon 2230 of the NOTCH2 protein (p.Ile2230Met). This variant is not present in population databases (gnomAD no frequency). This variant has not been reported in the literature in individuals affected with NOTCH2-related conditions. ClinVar contains an entry for this variant (Variation ID: 2090333). Advanced modeling of protein sequence and biophysical properties (such as structural, functional, and spatial information, amino acid conservation, physicochemical variation, residue mobility, and thermodynamic stability) performed at Invitae indicates that this missense variant is not expected to disrupt NOTCH2 protein function with a negative predictive value of 80%. In summary, the available evidence is currently insufficient to determine the role of this variant in disease. Therefore, it has been classified as a Variant of Uncertain Significance.

NM_024408.4(NOTCH2):c.6690T>G (p.Ile2230Met)

Gene: NOTCH2 (notch receptor 2; minus strand). Cytogenetic location: 1p12.
Variant type: single nucleotide variant.
Coding change: c.6690T>G on transcript NM_024408.4 (MANE Select); coding-DNA position 6690, T replaced by G.
Protein change: p.Ile2230Met; replaces isoleucine 2230 with methionine.
Molecular consequence: missense variant.
Genome position (GRCh38, 1-based): chr1:119,916,032, A>C on the plus strand (T>G on the coding strand, the complement: NOTCH2 is on the minus strand). VCF-style: chr1-119916032-A-C. GRCh37 (hg19) VCF-style: chr1-120458655-A-C.
Other names: short protein forms I2230M.
Identifiers: ClinVar variation 2090333 (VCV002090333.4), dbSNP rs1649055038, ClinGen allele CA341876610.